The following is an entry in ClinVar:

ClinVar aggregate classification (germline): Pathogenic/Likely pathogenic. Review status: criteria provided, multiple submitters, no conflicts (2 of 4 stars). 5 submissions from 5 submitters: Pathogenic (2); Likely pathogenic (2). 1 of the submissions does not count toward it. Last evaluated 2025-06-05.

Conditions:
AIRE-related disorder. Also called: AIRE-related condition.
Polyglandular autoimmune syndrome, type 1 (APS1). Also called: HYPOADRENOCORTICISM WITH HYPOPARATHYROIDISM AND SUPERFICIAL MONILIASIS; Whitaker syndrome; Autoimmune polyendocrinopathy syndrome, type I; AUTOIMMUNE POLYENDOCRINE SYNDROME, TYPE I, WITH OR WITHOUT REVERSIBLE METAPHYSEAL DYSPLASIA; Autoimmune polyendocrinopathy syndrome , type I, with or without reversible metaphyseal dysplasia; APS I. Identifiers: Orphanet 3453, MedGen C0085859, MONDO:0009411, OMIM 240300.

Allele frequency attached by ClinVar (database versions not stated): TOPMed 0.00002; gnomAD 0.00001; gnomAD exomes 0.00001.
gnomAD v4.1: 28 of 1,600,308 alleles (0.0017%); highest among the groups gnomAD compares: South Asian, 0.0022%; no homozygotes.

Submissions (5):

Natera, Inc.
Classification: Likely pathogenic for Polyglandular autoimmune syndrome type 1. Last evaluated: 2025-06-05. Review status: criteria provided, single submitter. Criteria: Natera Variant Classification Schema (03/2026). Collection method: clinical testing. Allele origin: germline.
Comment: The c.977C>T variant in AIRE is a missense variant predicted to cause substitution of proline to leucine at amino acid 326. This variant is rare in the general population with a frequency below the threshold expected for the associated phenotype(s). This variant has been observed in one or more individuals affected with the associated recessive disease, as either homozygous or compound heterozygous with a second variant (PMID: 30287219, 28911151, 11275943, 26912174). Additionally, this variant has been observed to segregate in affected family members (PMID: 30287219, 11275943). Computational prediction algorithms indicate this variant is likely to affect gene or protein function. Given the available evidence, this variant is classified as Likely Pathogenic.

Labcorp Genetics (formerly Invitae), Labcorp
Classification: Pathogenic for Polyglandular autoimmune syndrome, type 1. Last evaluated: 2025-02-17. Review status: criteria provided, single submitter. Criteria: Invitae Variant Classification Sherloc (09022015). Collection method: clinical testing. Allele origin: germline.
Comment: This sequence change replaces proline, which is neutral and non-polar, with leucine, which is neutral and non-polar, at codon 326 of the AIRE protein (p.Pro326Leu). This variant is present in population databases (rs179363885, gnomAD 0.003%). This missense change has been observed in individual(s) with autosomal recessive AIRE-related conditions (PMID: 11275943, 28911151, 29666621). In at least one individual the data is consistent with being in trans (on the opposite chromosome) from a pathogenic variant. It has also been observed to segregate with disease in related individuals. ClinVar contains an entry for this variant (Variation ID: 68232). Invitae Evidence Modeling of protein sequence and biophysical properties (such as structural, functional, and spatial information, amino acid conservation, physicochemical variation, residue mobility, and thermodynamic stability) indicates that this missense variant is expected to disrupt AIRE protein function with a positive predictive value of 95%. Experimental studies have shown that this missense change affects AIRE function (PMID: 26084028). For these reasons, this variant has been classified as Pathogenic.

Blueprint Genetics
Classification: Pathogenic for AIRE-related disorders. Last evaluated: 2024-10-17. Review status: criteria provided, single submitter. Criteria: ACMG Guidelines, 2015. Collection method: clinical testing. Allele origin: germline. Affected: yes. Observed: 2 variant alleles.

Fulgent Genetics
Classification: Likely pathogenic for Polyglandular autoimmune syndrome, type 1. Last evaluated: 2022-03-21. Review status: criteria provided, single submitter. Criteria: ACMG Guidelines, 2015. Collection method: clinical testing. Allele origin: unknown.

UniProtKB/Swiss-Prot
No classification provided. Review status: no classification provided. Collection method: not provided. Allele origin: germline. Not counted in ClinVar's aggregate classification.

Literature cited by the submitters: PubMed 30287219 (cited by Natera, Inc.); PubMed 28911151 (cited by Natera, Inc. and Labcorp Genetics (formerly Invitae), Labcorp); PubMed 11275943 (cited by Natera, Inc. and Labcorp Genetics (formerly Invitae), Labcorp); PubMed 26912174 (cited by Natera, Inc.); PubMed 29666621 (cited by Labcorp Genetics (formerly Invitae), Labcorp); PubMed 26084028 (cited by Labcorp Genetics (formerly Invitae), Labcorp).

NM_000383.4(AIRE):c.977C>T (p.Pro326Leu)

Gene: AIRE (autoimmune regulator; plus strand). Cytogenetic location: 21q22.3.
Variant type: single nucleotide variant.
Coding change: c.977C>T on transcript NM_000383.4 (MANE Select); coding-DNA position 977, C replaced by T.
Protein change: p.Pro326Leu; replaces proline 326 with leucine.
Molecular consequence: missense variant.
Genome position (GRCh38, 1-based): chr21:44,291,192, C>T. VCF-style: chr21-44291192-C-T. GRCh37 (hg19) VCF-style: chr21-45711075-C-T.
Other names: c.977C>T (LRG_18t1); short protein forms P326L.
Identifiers: ClinVar variation 68232 (VCV000068232.12), dbSNP rs179363885, ClinGen allele CA219217.